The following is an entry in ClinVar:

NM_000744.7(CHRNA4):c.631A>G (p.Ile211Val)

Gene: CHRNA4 (cholinergic receptor nicotinic alpha 4 subunit; minus strand). Cytogenetic location: 20q13.33.
Variant type: single nucleotide variant.
Coding change: c.631A>G on transcript NM_000744.7 (MANE Select); coding-DNA position 631, A replaced by G.
Protein change: p.Ile211Val; replaces isoleucine 211 with valine.
Molecular consequence: missense variant. On other transcripts: non-coding transcript variant (1).
Genome position (GRCh38, 1-based): chr20:63,350,780, T>C on the plus strand (A>G on the coding strand, the complement: CHRNA4 is on the minus strand). VCF-style: chr20-63350780-T-C. GRCh37 (hg19) VCF-style: chr20-61982132-T-C.
Other names: c.103A>G, p.Ile35Val (NM_001256573.2); short protein forms I211V, I35V.
Identifiers: ClinVar variation 1480208 (VCV001480208.8), dbSNP rs749493840, ClinGen allele CA9957767.

ClinVar aggregate classification (germline): Uncertain significance (1 of 4 stars; one submission).

Conditions:
Familial sleep-related hypermotor epilepsy. Also called: Autosomal Dominant Sleep-Related Hypermotor (Hyperkinetic) Epilepsy. Identifiers: Orphanet 98784, MedGen C3696898, MONDO:0000030.

Allele frequency attached by ClinVar (database versions not stated): gnomAD exomes below 0.00001; ExAC 0.00001.
gnomAD v4.1: 2 of 1,613,728 alleles (0.00012%); highest among the groups gnomAD compares: Non-Finnish European, 0.00017%; no homozygotes.

Submission:

Labcorp Genetics (formerly Invitae), Labcorp
Classification: Uncertain significance. Last evaluated: 2022-03-19. Review status: criteria provided, single submitter. Criteria: Invitae Variant Classification Sherloc (09022015). Collection method: clinical testing. Allele origin: germline.
Comment: Algorithms developed to predict the effect of missense changes on protein structure and function are either unavailable or do not agree on the potential impact of this missense change (SIFT: "Deleterious"; PolyPhen-2: "Benign"; Align-GVGD: "Class C15"). In summary, the available evidence is currently insufficient to determine the role of this variant in disease. Therefore, it has been classified as a Variant of Uncertain Significance. This missense change has been observed in at least one individual who was not affected with CHRNA4-related conditions (Invitae). This missense change has been observed in individual(s) with CHRNA4-related conditions (Invitae). This variant is present in population databases (rs749493840, gnomAD 0.0009%). This sequence change replaces isoleucine, which is neutral and non-polar, with valine, which is neutral and non-polar, at codon 211 of the CHRNA4 protein (p.Ile211Val).